The following is an entry in ClinVar:

NM_001330260.2(SCN8A):c.2735G>A (p.Cys912Tyr)

Gene: SCN8A (sodium voltage-gated channel alpha subunit 8; plus strand). Cytogenetic location: 12q13.13.
Variant type: single nucleotide variant.
Coding change: c.2735G>A on transcript NM_001330260.2 (MANE Select); coding-DNA position 2735, G replaced by A.
Protein change: p.Cys912Tyr; replaces cysteine 912 with tyrosine.
Molecular consequence: missense variant.
Genome position (GRCh38, 1-based): chr12:51,765,861, G>A. VCF-style: chr12-51765861-G-A. GRCh37 (hg19) VCF-style: chr12-52159645-G-A.
Other names: c.2735G>A, p.Cys912Tyr (NM_001177984.3, NM_001369788.1, NM_014191.4); short protein forms C912Y.
Identifiers: ClinVar variation 3635190 (VCV003635190.2).
Genomic context (GRCh38, chr12:51,765,861, plus strand): 5'-TGGGGATGCAACTCTTTGGAAAAAGCTACAAAGAGTGTGTCTGCAAGATCAACCAGGACT[G>A]TGAACTCCCTCGCTGGCATATGCATGACTTTTTCCATTCCTTCCTCATTGTCTTTCGAGT-3'
Protein context (NP_001317189.1, residues 902-922): KECVCKINQD[Cys912Tyr]ELPRWHMHDF

ClinVar aggregate classification (germline): Uncertain significance (1 of 4 stars; one submission).

Conditions:
Early-infantile DEE. Also called: Early infantile epileptic encephalopathy; Ohtahara syndrome; Early infantile epileptic encephalopathy with suppression bursts. Identifiers: Orphanet 1934, MedGen C0393706, MONDO:0800491.

Submission:

Labcorp Genetics (formerly Invitae), Labcorp
Classification: Uncertain significance for Early-infantile DEE. Last evaluated: 2024-12-02. Review status: criteria provided, single submitter. Criteria: Invitae Variant Classification Sherloc (09022015). Collection method: clinical testing. Allele origin: germline.
Comment: This sequence change replaces cysteine, which is neutral and slightly polar, with tyrosine, which is neutral and polar, at codon 912 of the SCN8A protein (p.Cys912Tyr). This variant is not present in population databases (gnomAD no frequency). This variant has not been reported in the literature in individuals affected with SCN8A-related conditions. Invitae Evidence Modeling of protein sequence and biophysical properties (such as structural, functional, and spatial information, amino acid conservation, physicochemical variation, residue mobility, and thermodynamic stability) indicates that this missense variant is expected to disrupt SCN8A protein function with a positive predictive value of 80%. In summary, the available evidence is currently insufficient to determine the role of this variant in disease. Therefore, it has been classified as a Variant of Uncertain Significance.